The following is an entry in ClinVar:

NM_032043.3(BRIP1):c.2947A>G (p.Ile983Val)

Gene: BRIP1 (BRCA1 interacting DNA helicase 1; minus strand). Cytogenetic location: 17q23.2.
Variant type: single nucleotide variant.
Coding change: c.2947A>G on transcript NM_032043.3 (MANE Select); coding-DNA position 2947, A replaced by G.
Protein change: p.Ile983Val; replaces isoleucine 983 with valine.
Molecular consequence: missense variant.
Genome position (GRCh38, 1-based): chr17:61,684,099, T>C on the plus strand (A>G on the coding strand, the complement: BRIP1 is on the minus strand). VCF-style: chr17-61684099-T-C. GRCh37 (hg19) VCF-style: chr17-59761460-T-C.
Other names: c.2947A>G (NM_032043.2); short protein forms I983V.
Identifiers: ClinVar variation 1062147 (VCV001062147.11), dbSNP rs755337038, ClinGen allele CA400480684.

ClinVar aggregate classification (germline): Uncertain significance. Review status: criteria provided, multiple submitters, no conflicts (2 of 4 stars). 2 submissions from 2 submitters: Uncertain significance (2). Last evaluated 2026-03-11.

Conditions:
Hereditary cancer-predisposing syndrome. Also called: Hereditary Cancer Syndrome; Neoplastic Syndromes, Hereditary; Tumor predisposition; Hereditary neoplastic syndrome. Identifiers: Orphanet 140162, MedGen C0027672, MeSH D009386, MONDO:0015356.
Fanconi anemia complementation group J. Also called: BRIP1-Related Fanconi Anemia. Identifiers: Orphanet 84, MedGen C1836860, MONDO:0012187, OMIM 609054.
Familial cancer of breast. Also called: BREAST CANCER, FAMILIAL; hereditary breast carcinoma; Hereditary breast cancer. Identifiers: Orphanet 227535, MedGen C0346153, MONDO:0016419, OMIM 114480. Disease mechanism: loss of function.

Submissions (2):

Ambry Genetics
Classification: Uncertain significance for Hereditary cancer-predisposing syndrome. Last evaluated: 2026-03-11. Review status: criteria provided, single submitter. Criteria: Ambry Variant Classification Scheme 2023. Collection method: clinical testing. Allele origin: germline.
Comment: The p.I983V variant (also known as c.2947A>G), located in coding exon 19 of the BRIP1 gene, results from an A to G substitution at nucleotide position 2947. The isoleucine at codon 983 is replaced by valine, an amino acid with highly similar properties. This amino acid position is conserved. In addition, this alteration is predicted to be tolerated by in silico analysis. Based on the available evidence, the clinical significance of this variant remains unclear.

Labcorp Genetics (formerly Invitae), Labcorp
Classification: Uncertain significance for Familial cancer of breast; Fanconi anemia complementation group J. Last evaluated: 2018-06-06. Review status: criteria provided, single submitter. Criteria: Invitae Variant Classification Sherloc (09022015). Collection method: clinical testing. Allele origin: germline.
Comment: This sequence change replaces isoleucine with valine at codon 983 of the BRIP1 protein (p.Ile983Val). The isoleucine residue is weakly conserved and there is a small physicochemical difference between isoleucine and valine. This variant is not present in population databases (ExAC no frequency). This variant has not been reported in the literature in individuals with BRIP1-related disease. Algorithms developed to predict the effect of missense changes on protein structure and function (SIFT, PolyPhen-2, Align-GVGD) all suggest that this variant is likely to be tolerated, but these predictions have not been confirmed by published functional studies and their clinical significance is uncertain. In summary, the available evidence is currently insufficient to determine the role of this variant in disease. Therefore, it has been classified as a Variant of Uncertain Significance.